The following is an entry in ClinVar:

ClinVar aggregate classification (germline): Likely benign (1 of 4 stars; one submission).

Conditions:
POLG-related disorder. Also called: POLG-related condition; POLG-Related Disorders; POLG-Related Spectrum Disorders. Identifiers: MedGen C4763519.

Submission:

PreventionGenetics, part of Exact Sciences
Classification: Likely benign for POLG-related condition. Last evaluated: 2025-11-07. Review status: criteria provided, single submitter. Criteria: ACMG Guidelines, 2015. Collection method: clinical testing. Allele origin: germline.
Comment: This variant is classified as likely benign based on ACMG/AMP sequence variant interpretation guidelines (Richards et al. 2015 PMID: 25741868, with internal and published modifications).

NM_002693.3(POLG):c.447C>G (p.Pro149=)

Genes: POLG (DNA polymerase gamma, catalytic subunit; minus strand), POLGARF (POLG alternative reading frame; minus strand). Cytogenetic location: 15q26.1.
Variant type: single nucleotide variant.
Coding change: c.447C>G on transcript NM_002693.3 (MANE Select); coding-DNA position 447, C replaced by G.
Protein change: p.Pro149=; no amino-acid change (proline 149 retained).
Molecular consequence: synonymous variant. On other transcripts: missense variant (1).
Genome position (GRCh38, 1-based): chr15:89,333,308, G>C on the plus strand (C>G on the coding strand, the complement: POLG is on the minus strand). VCF-style: chr15-89333308-G-C. GRCh37 (hg19) VCF-style: chr15-89876539-G-C.
Other names: c.502C>G, p.Leu168Val (NM_001430120.1); c.447C>G, p.Pro149= (NM_001126131.2); short protein forms L168V.
Identifiers: ClinVar variation 4994770 (VCV004994770.1).
Genomic context (GRCh38, chr15:89,333,308, plus strand): 5'-CCAAGCCGGGGGCTTCGGGGGCAGCTGGGCCTGCAACAGCAAGTTGGCCGCCTCCAGGTA[G>C]GGCAGGCTCTGCTTCTGGGCCAGGAGGCGGAAGTGCTGGTCCAGGTTGTCCCCGTAGAGG-3'
Protein context (NP_002684.1, residues 139-159): FRLLAQKQSL[Pro149=]YLEAANLLLQ